The following is an entry in ClinVar:

ClinVar aggregate classification (germline): Likely pathogenic (1 of 4 stars; one submission).

Conditions:
Cardiomyopathy (CMYO). Also called: Cardiomyopathies. Identifiers: Orphanet 167848, MedGen C0878544, MONDO:0004994, HP:0001638. Inheritance: Various modes of inheritance.

Allele frequency attached by ClinVar (database versions not stated): ExAC 0.00001.
gnomAD v4.1: 1 of 1,614,000 alleles (0.000062%); highest among the groups gnomAD compares: South Asian, 0.0011%; no homozygotes.

Submission:

Women's Health and Genetics/Laboratory Corporation of America, LabCorp
Classification: Likely pathogenic for Cardiomyopathy. Last evaluated: 2023-06-19. Review status: criteria provided, single submitter. Criteria: LabCorp Variant Classification Summary - May 2015. Collection method: clinical testing. Allele origin: germline.
Comment: Variant summary: TNNI3 c.611G>T (p.Arg204Leu) results in a non-conservative amino acid change in the encoded protein sequence. Five of five in-silico tools predict a damaging effect of the variant on protein function. The variant allele was found at a frequency of 4e-06 (i.e., 1 heterozygote) in 249574 control chromosomes (gnomAD). To our knowledge, no occurrence of c.611G>T in individuals affected with Cardiomyopathy and no experimental evidence demonstrating its impact on protein function have been reported. No clinical diagnostic laboratories have submitted clinical-significance assessments for this variant to ClinVar after 2014. Additionally, other missense variants affecting the same codon, namely c.610C>T (p.Arg204Cys) and c.611G>A (p. Arg2014His), have been classified as pathogenic in ClinVar and reported in association with Hypertrophic Cardiomyopathy in HGMD. These additional missense variants have been reported in the literature in hypertrophic cardiomyopathy probands (PMIDs: 15698845, 29176140, 34036930, 33906374), including several potential de novo occurrences (PMIDs: 31912959, 20569525, 29176140 and ClinVar), and functional studies have shown that disruption of this amino acid leads to increased calcium sensitivity and can disrupt protein-protein interactions (PMIDs:27895589, 15698845). Based on the evidence outlined above, the variant was classified as likely pathogenic.

NM_000363.5(TNNI3):c.611G>T (p.Arg204Leu)

Gene: TNNI3 (troponin I3, cardiac type; minus strand). Cytogenetic location: 19q13.42.
Variant type: single nucleotide variant.
Coding change: c.611G>T on transcript NM_000363.5 (MANE Select); coding-DNA position 611, G replaced by T.
Protein change: p.Arg204Leu; replaces arginine 204 with leucine.
Molecular consequence: missense variant.
Genome position (GRCh38, 1-based): chr19:55,151,856, C>A on the plus strand (G>T on the coding strand, the complement: TNNI3 is on the minus strand). VCF-style: chr19-55151856-C-A. GRCh37 (hg19) VCF-style: chr19-55663224-C-A.
Other names: short protein forms R204L.
Identifiers: ClinVar variation 2573400 (VCV002573400.1), dbSNP rs727504275, ClinGen allele CA051933.